The following is an entry in ClinVar:

ClinVar aggregate classification (germline): Benign (1 of 4 stars; one submission).

Conditions:
MELAS syndrome (MELAS). Also called: Juvenile myopathy, encephalopathy, lactic acidosis, stroke. Identifiers: Orphanet 550, MedGen C0162671, MONDO:0010789, OMIM 540000.

Submission:

Wong Mito Lab, Molecular and Human Genetics, Baylor College of Medicine
Classification: Benign for MELAS syndrome. Last evaluated: 2019-07-12. Review status: criteria provided, single submitter. Criteria: Modified ACMG Guidelines (Unpublished). Collection method: clinical testing. Allele origin: germline.
Comment: The NC_012920.1:m.4454T>C variant in MT-TM gene is interpreted to be a Benign variant based on the modified ACMG guidelines (unpublished). This variant meets the following evidence codes reported in the guidelines: BS1, BS2, BP4

Literature cited by the submitters: PubMed 31965079.

NC_012920.1(MT-TM):m.4454T>C

Gene: MT-TM (mitochondrially encoded tRNA methionine; plus strand).
Variant type: single nucleotide variant.
Genome position: chrM-4454-T-C.
Identifiers: ClinVar variation 689916 (VCV000689916.1), dbSNP rs11510098, ClinGen allele CA337096877.